The following is an entry in ClinVar:

NM_001386889.1(MBNL3):c.29G>C (p.Arg10Pro)

Gene: MBNL3 (muscleblind like splicing regulator 3; minus strand). Cytogenetic location: Xq26.2.
Variant type: single nucleotide variant.
Coding change: c.29G>C on transcript NM_001386889.1 (MANE Select); coding-DNA position 29, G replaced by C.
Protein change: p.Arg10Pro; replaces arginine 10 with proline.
Molecular consequence: missense variant. On other transcripts: intron variant (14).
Genome position (GRCh38, 1-based): chrX:132,439,583, C>G on the plus strand (G>C on the coding strand, the complement: MBNL3 is on the minus strand). VCF-style: chrX-132439583-C-G. GRCh37 (hg19) VCF-style: chrX-131573611-C-G.
Other names: c.29G>C, p.Arg10Pro (NM_001386891.1, NM_001386892.1, NM_001386894.1 and 6 more transcripts); c.-12-47249G>C (NM_001386916.1); c.-111-33191G>C (NM_001386918.1, NM_001386917.1, NM_001386915.1 and 6 more transcripts); c.-249-11G>C (NM_001170704.2); c.-208-31747G>C (NM_001386912.1, NM_001386913.1, NM_001386907.1); short protein forms R10P.
Identifiers: ClinVar variation 2635569 (VCV002635569.1), dbSNP rs2522869181, ClinGen allele CA414685735.
Genomic context (GRCh38, chrX:132,439,583, plus strand): 5'-CGAGAGCAAGTTCCTCTCTGAAATTCTCTACAGACTTCTAAAGTCAGCCACTTGGTATCA[C>G]GAATCAGGGCAACATTGACAGCCGTCATATTGAAAGCAAAATTAAAATCCAATGTACCCT-3'
Protein context (NP_001373818.1, residues 1-20): MTAVNVALI[Arg10Pro]DTKWLTLEVC

ClinVar aggregate classification (germline): Uncertain significance (1 of 4 stars; one submission).

Conditions:
MBNL3-related disorder. Also called: MBNL3-related condition.

Allele frequency attached by ClinVar (database versions not stated): gnomAD exomes 0.00001.

Submission:

PreventionGenetics, part of Exact Sciences
Classification: Uncertain significance for MBNL3-related condition. Last evaluated: 2023-02-10. Review status: criteria provided, single submitter. Criteria: ACMG Guidelines, 2015. Collection method: clinical testing. Allele origin: germline.
Comment: The MBNL3 c.29G>C variant is predicted to result in the amino acid substitution p.Arg10Pro. To our knowledge, this variant has not been reported in the literature or in a large population database, indicating this variant is rare. At this time, the clinical significance of this variant is uncertain due to the absence of conclusive functional and genetic evidence.